The following is an entry in ClinVar:

NM_002109.6(HARS1):c.207G>A (p.Gln69=)

Gene: HARS1 (histidyl-tRNA synthetase 1; minus strand). Cytogenetic location: 5q31.3.
Variant type: single nucleotide variant.
Coding change: c.207G>A on transcript NM_002109.6 (MANE Select); coding-DNA position 207, G replaced by A.
Protein change: p.Gln69=; no amino-acid change (glutamine 69 retained).
Molecular consequence: synonymous variant. On other transcripts: intron variant (3).
Genome position (GRCh38, 1-based): chr5:140,683,193, C>T on the plus strand (G>A on the coding strand, the complement: HARS1 is on the minus strand). VCF-style: chr5-140683193-C-T. GRCh37 (hg19) VCF-style: chr5-140062778-C-T.
Other names: c.207G>A, p.Gln69= (NM_001258041.3, NM_001289092.2); c.120G>A, p.Gln40= (NM_001289094.2); c.181-5178G>A (NM_001289093.2); c.181-3310G>A (NM_001258042.3, NM_001258040.3).
Identifiers: ClinVar variation 1803424 (VCV001803424.1), dbSNP rs1758823982, ClinGen allele CA446640597.

ClinVar aggregate classification (germline): Uncertain significance (1 of 4 stars; one submission).

Submission:

GeneDx
Classification: Uncertain significance. Last evaluated: 2022-06-10. Review status: criteria provided, single submitter. Criteria: GeneDx Variant Classification Process June 2021. Collection method: clinical testing. Allele origin: germline. Affected: yes.
Comment: Not observed at significant frequency in large population cohorts (gnomAD); In silico analysis supports that this variant does not alter splicing; Has not been previously published as pathogenic or benign to our knowledge